The following is an entry in ClinVar:

ClinVar aggregate classification (germline): Likely pathogenic. Review status: reviewed by expert panel (3 of 4 stars). 2 submissions from 2 submitters: Likely pathogenic (1). 1 of the submissions does not count toward it. Last evaluated 2020-06-05.

Conditions:
Phenylketonuria (PKU). Also called: Phenylketonuria (PKU); FOLLING DISEASE; OLIGOPHRENIA PHENYLPYRUVICA; Phenylketonurias. Identifiers: Orphanet 716, MedGen C0031485, MONDO:0009861, OMIM 261600. Disease mechanism: loss of function.

Allele frequency attached by ClinVar (database versions not stated): gnomAD exomes below 0.00001.
gnomAD v4.1: 2 of 1,613,720 alleles (0.00012%); highest among the groups gnomAD compares: East Asian, 0.0045%; no homozygotes.

Submissions (2):

ClinGen PAH Variant Curation Expert Panel
Classification: Likely pathogenic for Phenylketonuria. Last evaluated: 2020-06-05. Review status: reviewed by expert panel. Criteria: ClinGen PAH ACMG Specifications v1. Collection method: curation. Allele origin: germline. Inheritance: Autosomal recessive inheritance.
Comment: The c.1069T>G (p.Cys357Gly) variant in PAH has been reported in 1 individual with classic PKU in trans with pathogenic variant p.R176X (PMID: 11139255). This variant is absent in population databases. Computational evidence supports a deleterious effect. In summary, this variant meets criteria to be classified as likely pathogenic for PAH. PAH-specific ACMG/AMP criteria applied: PP4, PM2, PM3, PP3.

DeBelle Laboratory for Biochemical Genetics, MUHC/MCH RESEARCH INSTITUTE
No classification provided. Review status: no classification provided. Collection method: not provided. Allele origin: not provided. Not counted in ClinVar's aggregate classification.

Literature cited by the submitters: PubMed 11139255 (cited by ClinGen PAH Variant Curation Expert Panel).

NM_000277.3(PAH):c.1069T>G (p.Cys357Gly)

Gene: PAH (phenylalanine hydroxylase; minus strand). Cytogenetic location: 12q23.2.
Variant type: single nucleotide variant.
Coding change: c.1069T>G on transcript NM_000277.3 (MANE Select); coding-DNA position 1069, T replaced by G.
Protein change: p.Cys357Gly; replaces cysteine 357 with glycine.
Molecular consequence: missense variant.
Genome position (GRCh38, 1-based): chr12:102,843,776, A>C on the plus strand (T>G on the coding strand, the complement: PAH is on the minus strand). VCF-style: chr12-102843776-A-C. GRCh37 (hg19) VCF-style: chr12-103237554-A-C.
Other names: c.1069T>G, p.Cys357Gly (NM_001354304.2); short protein forms C357G.
Identifiers: ClinVar variation 102514 (VCV000102514.2), dbSNP rs62508595, ClinGen allele CA229329.
Genomic context (GRCh38, chr12:102,843,776, plus strand): 5'-AATTTTGGATGGCTGTCTTCTCCAGCTCCAGGGGGAGAAGCTTTGGCTTCTCTGATAAGC[A>C]GTACTGTAGGCCCCAAGTGAAAAGTTATTATCACTGTTAAATCAGGATCAGTATTCCCTG-3'
Protein context (NP_000268.1, residues 347-367): LLSSFGELQY[Cys357Gly]LSEKPKLLPL